The following is an entry in ClinVar:

NM_000051.4(ATM):c.3077+9A>T

Gene: ATM (ATM serine/threonine kinase; plus strand). Cytogenetic location: 11q22.3.
Variant type: single nucleotide variant.
Coding change: c.3077+9A>T on transcript NM_000051.4 (MANE Select); 9 bases into the intron after coding-DNA position 3077, A replaced by T.
Molecular consequence: intron variant.
Genome position (GRCh38, 1-based): chr11:108,271,415, A>T. VCF-style: chr11-108271415-A-T. GRCh37 (hg19) VCF-style: chr11-108142142-A-T.
Other names: c.3077+9A>T (NM_001351834.2).
Identifiers: ClinVar variation 1979064 (VCV001979064.6), dbSNP rs2135555296, ClinGen allele CA2580083269.
Genomic context (GRCh38, chr11:108,271,415, plus strand): 5'-AGAACACAAGGGATGCTCAAGGACAGTTTCTTACAGTAATTGGAGCATTTTGGTAGGTAC[A>T]GTCTATTTTGTGGTCCTATTTTTCTTTTGCTATCTGTGGATACGAATGCAAGTTTTGTAT-3'

ClinVar aggregate classification (germline): Likely benign. Review status: criteria provided, multiple submitters, no conflicts (2 of 4 stars). 3 submissions from 3 submitters: Likely benign (3). Last evaluated 2025-01-23.

Conditions:
Ataxia-telangiectasia syndrome (AT). Also called: Ataxia-telangiectasia, complementation group E; Ataxia telangiectasia (A-T); Cerebello-oculocutaneous telangiectasia; Immunodeficiency with ataxia telangiectasia; Ataxia-telangiectasia, complementation group D; ATAXIA-TELANGIECTASIA, COMPLEMENTATION GROUP A. Identifiers: Orphanet 100, MedGen C0004135, MONDO:0008840, OMIM 208900.
Familial cancer of breast. Also called: hereditary breast carcinoma; BREAST CANCER, FAMILIAL; Hereditary breast cancer. Identifiers: Orphanet 227535, MedGen C0346153, MONDO:0016419, OMIM 114480. Disease mechanism: loss of function.

Submissions (3):

Labcorp Genetics (formerly Invitae), Labcorp
Classification: Likely benign for Ataxia-telangiectasia syndrome. Last evaluated: 2025-01-23. Review status: criteria provided, single submitter. Criteria: Invitae Variant Classification Sherloc (09022015). Collection method: clinical testing. Allele origin: germline.

Myriad Genetics, Inc.
Classification: Likely benign for Familial cancer of breast. Last evaluated: 2024-05-13. Review status: criteria provided, single submitter. Criteria: Myriad Autosomal Dominant, Autosomal Recessive and X-Linked Classification Criteria (2023). Collection method: clinical testing. Allele origin: unknown.
Comment: This variant is considered likely benign. This variant is intronic and is not expected to impact mRNA splicing.

Women's Health and Genetics/Laboratory Corporation of America, LabCorp
Classification: Likely benign. Last evaluated: 2024-05-11. Review status: criteria provided, single submitter. Criteria: LabCorp Variant Classification Summary - May 2015. Collection method: clinical testing. Allele origin: germline.